The following is an entry in ClinVar:

ClinVar aggregate classification (germline): Likely pathogenic (1 of 4 stars; one submission).
ClinVar aggregate classification (somatic clinical impact): Tier II - Potential (1 of 4 stars; one submission).

Conditions:
Neurofibromatosis, type 1 (NF1). Also called: VON RECKLINGHAUSEN DISEASE; NEUROFIBROMATOSIS, TYPE I, SOMATIC; Peripheral type neurofibromatosis; Neurofibromatosis, type I. Identifiers: Orphanet 636, MedGen C0027831, MONDO:0018975, OMIM 162200. Disease mechanism: loss of function.
Pilocytic astrocytoma. Also called: Pilocytic astrocytoma, somatic. Identifiers: Orphanet 251612, MedGen C0334583, MONDO:0016691, HP:0033680.

Submissions (2):

Institute for Genomic Medicine (IGM) Clinical Laboratory, Nationwide Children's Hospital
Classification: Tier II - Potential for Pilocytic astrocytoma. Assertion type: diagnostic. Clinical significance: supports diagnosis. Last evaluated: 2024-11-15. Review status: criteria provided, single submitter. Criteria: AMP/ASCO/CAP Guidelines, 2017. Collection method: clinical testing. Allele origin: somatic. Affected: yes.
Comment: Variant has Tier II (potential) clinical significance as a diagnostic inclusion criterion in pilocytic astrocytoma, based on the following evidence: 1) Appears in one or more well-established professional guidelines (e.g., World Health Organization [WHO]; National Comprehensive Cancer Network [NCCN]) as providing diagnostic, prognostic, or therapeutic information (PMIDs: 23222849, 27263935). 2) Diagnostic significance based on multiple small studies (Evidence Level C; PMIDs: 31250151, 33585982, 30531922, 30143858).

Labcorp Genetics (formerly Invitae), Labcorp
Classification: Likely pathogenic for Neurofibromatosis, type 1. Last evaluated: 2018-04-26. Review status: criteria provided, single submitter. Criteria: Invitae Variant Classification Sherloc (09022015). Collection method: clinical testing. Allele origin: germline.
Comment: In summary, the currently available evidence indicates that the variant is pathogenic, but additional data are needed to prove that conclusively. Therefore, this variant has been classified as Likely Pathogenic. Algorithms developed to predict the effect of missense changes on protein structure and function are either unavailable or do not agree on the potential impact of this missense change (SIFT: "Deleterious"; PolyPhen-2: "Probably Damaging"; Align-GVGD: "Class C0"). This variant is not present in population databases (ExAC no frequency). This sequence change replaces asparagine with lysine at codon 1156 of the NF1 protein (p.Asn1156Lys). The asparagine residue is moderately conserved and there is a moderate physicochemical difference between asparagine and lysine.

Literature cited by the submitters: PubMed 23222849 (cited by Institute for Genomic Medicine (IGM) Clinical Laboratory, Nationwide Children's Hospital); PubMed 27263935 (cited by Institute for Genomic Medicine (IGM) Clinical Laboratory, Nationwide Children's Hospital); PubMed 31250151 (cited by Institute for Genomic Medicine (IGM) Clinical Laboratory, Nationwide Children's Hospital); PubMed 33585982 (cited by Institute for Genomic Medicine (IGM) Clinical Laboratory, Nationwide Children's Hospital); PubMed 30531922 (cited by Institute for Genomic Medicine (IGM) Clinical Laboratory, Nationwide Children's Hospital); PubMed 30143858 (cited by Institute for Genomic Medicine (IGM) Clinical Laboratory, Nationwide Children's Hospital).

NM_001042492.3(NF1):c.3468C>A (p.Asn1156Lys)

Gene: NF1 (neurofibromin 1; plus strand). Cytogenetic location: 17q11.2.
Variant type: single nucleotide variant.
Coding change: c.3468C>A on transcript NM_001042492.3 (MANE Select); coding-DNA position 3468, C replaced by A.
Protein change: p.Asn1156Lys; replaces asparagine 1156 with lysine.
Molecular consequence: missense variant.
Genome position (GRCh38, 1-based): chr17:31,232,853, C>A. VCF-style: chr17-31232853-C-A. GRCh37 (hg19) VCF-style: chr17-29559871-C-A.
Other names: c.3468C>A, p.Asn1156Lys (NM_000267.4); short protein forms N1156K.
Identifiers: ClinVar variation 527521 (VCV000527521.6), dbSNP rs147955381, ClinGen allele CA398989385.